The following is an entry in ClinVar:

ClinVar aggregate classification (germline): Benign. Review status: criteria provided, multiple submitters, no conflicts (2 of 4 stars). 4 submissions from 4 submitters: Benign (3). 1 of the submissions does not count toward it. Last evaluated 2021-05-04.

Conditions:
DNAH6-related disorder. Also called: DNAH6-related condition.

Allele frequency attached by ClinVar (database versions not stated): gnomAD exomes 0.04914 and 0.05453; ExAC 0.06093; 1000 Genomes Project 0.06889; ESP Exome Variant Server 0.07096; gnomAD 0.07128 and 0.07310; TOPMed 0.07150; 1000 Genomes Project 30x 0.07355.
gnomAD v4.1: 86,951 of 1,545,136 alleles (5.6%); highest among the groups gnomAD compares: African/African-American, 13%; 2,952 homozygotes.

Submissions (4):

GeneDx
Classification: Benign. Last evaluated: 2021-05-04. Review status: criteria provided, single submitter. Criteria: GeneDx Variant Classification Process June 2021. Collection method: clinical testing. Allele origin: germline. Affected: yes.

Laboratory for Molecular Medicine, Mass General Brigham Personalized Medicine
Classification: Benign. Last evaluated: 2016-03-28. Review status: criteria provided, single submitter. Criteria: LMM Criteria. Collection method: clinical testing. Allele origin: germline.
Comment: Variant identified in a genome or exome case(s) and assessed due to predicted null impact of the variant or pathogenic assertions in the literature or databases. Disclaimer: This variant has not undergone full assessment. The following are preliminary notes: MAF

Breakthrough Genomics
Classification: Benign. Review status: criteria provided, single submitter. Criteria: ACMG Guidelines, 2015. Collection method: not provided. Allele origin: germline. Inheritance: Unknown mechanism. Affected: yes.

PreventionGenetics, part of Exact Sciences
Classification: Benign for DNAH6-related condition. Last evaluated: 2020-01-03. Review status: no assertion criteria provided. Collection method: clinical testing. Allele origin: germline. Not counted in ClinVar's aggregate classification.
Comment: This variant is classified as benign based on ACMG/AMP sequence variant interpretation guidelines (Richards et al. 2015 PMID: 25741868, with internal and published modifications).

NM_001370.2(DNAH6):c.9753G>A (p.Leu3251=)

Gene: DNAH6 (dynein axonemal heavy chain 6; plus strand). Cytogenetic location: 2p11.2.
Variant type: single nucleotide variant.
Coding change: c.9753G>A on transcript NM_001370.2 (MANE Select); coding-DNA position 9753, G replaced by A.
Protein change: p.Leu3251=; no amino-acid change (leucine 3251 retained).
Molecular consequence: synonymous variant.
Genome position (GRCh38, 1-based): chr2:84,718,345, G>A. VCF-style: chr2-84718345-G-A. GRCh37 (hg19) VCF-style: chr2-84945469-G-A.
Identifiers: ClinVar variation 402744 (VCV000402744.9), dbSNP rs1192344, ClinGen allele CA1737636.